The following is an entry in ClinVar:

ClinVar aggregate classification (germline): Uncertain significance (1 of 4 stars; one submission).

Conditions:
Dyskeratosis congenita, autosomal dominant 2. Identifiers: MedGen C3151443, MONDO:0013521, OMIM 613989.
Idiopathic Pulmonary Fibrosis. Also called: Idiopathic fibrosing alveolitis, chronic form; idiopathic fibrosing alveolitis. Identifiers: Orphanet 2032, MedGen C1800706, MeSH D054990, MONDO:0800504.

Submission:

Labcorp Genetics (formerly Invitae), Labcorp
Classification: Uncertain significance for Dyskeratosis congenita, autosomal dominant 2; Idiopathic Pulmonary Fibrosis. Last evaluated: 2023-03-11. Review status: criteria provided, single submitter. Criteria: Invitae Variant Classification Sherloc (09022015). Collection method: clinical testing. Allele origin: germline.
Comment: This sequence change replaces alanine, which is neutral and non-polar, with valine, which is neutral and non-polar, at codon 1058 of the TERT protein (p.Ala1058Val). This variant is not present in population databases (gnomAD no frequency). This variant has not been reported in the literature in individuals affected with TERT-related conditions. Advanced modeling of protein sequence and biophysical properties (such as structural, functional, and spatial information, amino acid conservation, physicochemical variation, residue mobility, and thermodynamic stability) has been performed at Invitae for this missense variant, however the output from this modeling did not meet the statistical confidence thresholds required to predict the impact of this variant on TERT protein function. In summary, the available evidence is currently insufficient to determine the role of this variant in disease. Therefore, it has been classified as a Variant of Uncertain Significance.

NM_198253.3(TERT):c.3173C>T (p.Ala1058Val)

Gene: TERT (telomerase reverse transcriptase; minus strand). Cytogenetic location: 5p15.33.
Variant type: single nucleotide variant.
Coding change: c.3173C>T on transcript NM_198253.3 (MANE Select); coding-DNA position 3173, C replaced by T.
Protein change: p.Ala1058Val; replaces alanine 1058 with valine.
Molecular consequence: missense variant. On other transcripts: non-coding transcript variant (2).
Genome position (GRCh38, 1-based): chr5:1,254,490, G>A on the plus strand (C>T on the coding strand, the complement: TERT is on the minus strand). VCF-style: chr5-1254490-G-A. GRCh37 (hg19) VCF-style: chr5-1254605-G-A.
Other names: c.2984C>T, p.Ala995Val (NM_001193376.3); c.3173C>T, p.Ala1058Val (NM_003219.1); short protein forms A995V, A1058V.
Identifiers: ClinVar variation 2945218 (VCV002945218.3), dbSNP rs1255871934, ClinGen allele CA359067542.
Genomic context (GRCh38, chr5:1,254,490, plus strand): 5'-AATGCTTGGTGGCACAGCCACTGCACGGCCTCGGAGGGCAGAGGGCCGGCGGCGCCCTTG[G>A]CCCCCAGCGACATCCCTGGGGGAAAACAGAGGCTGAGGAGTCACAGGCCCAGCCCAGCTC-3'
Protein context (NP_937983.2, residues 1048-1068): KAKNAGMSLG[Ala1058Val]KGAAGPLPSE